The following is an entry in ClinVar:

ClinVar aggregate classification (germline): Conflicting classifications of pathogenicity. Review status: criteria provided, conflicting classifications (1 of 4 stars). 2 submissions from 2 submitters: Likely pathogenic (1); Uncertain significance (1). Last evaluated 2023-01-09.

Submissions (2):

GeneDx
Classification: Likely pathogenic. Last evaluated: 2023-01-09. Review status: criteria provided, single submitter. Criteria: GeneDx Variant Classification Process June 2021. Collection method: clinical testing. Allele origin: germline. Affected: yes.
Comment: Frameshift variant predicted to result in protein truncation or nonsense mediated decay in a gene for which loss of function is a known mechanism of disease; Not observed at significant frequency in large population cohorts (gnomAD); Has not been previously published as pathogenic or benign to our knowledge

Geisinger Autism and Developmental Medicine Institute, Geisinger Health System
Classification: Uncertain significance. Last evaluated: 2017-10-23. Review status: criteria provided, single submitter. Criteria: ACMG Guidelines, 2015. Collection method: provider interpretation, clinical testing. Allele origin: unknown. Observed: 1 variant allele.
Comment: Paternal history is unknown. Parental samples were not available for testing. This is a gene of uncertain significance; no known human disorders have been clearly associated with this gene. The variant is absent from the gnomAD database and the PRR12 gene is contstrained for loss of function variants.

NM_020719.3(PRR12):c.5187del (p.Glu1730fs)

Gene: PRR12 (proline rich 12; plus strand). Cytogenetic location: 19q13.33.
Variant type: Deletion.
Coding change: c.5187del on transcript NM_020719.3 (MANE Select); coding-DNA position 5187, one base deleted (C; older notation c.5187delC).
Protein change: p.Glu1730fs; shifts the reading frame from glutamic acid 1730.
Molecular consequence: frameshift variant.
Genome position (GRCh38, 1-based): chr19:49,615,909, C deleted; the last of 5 consecutive C bases (chr19:49,615,905-49,615,909); deleting any one gives the same sequence. VCF-style (leftmost placement, unchanged base first): chr19-49615904-GC-G. GRCh37 (hg19) VCF-style: chr19-50119161-GC-G.
Other names: c.5187delC (NM_020719.1); short protein forms E1730fs.
Identifiers: ClinVar variation 560249 (VCV000560249.6), dbSNP rs1568430264, ClinGen allele CA658824026.